The following is an entry in ClinVar:

NM_000094.4(COL7A1):c.5545del (p.Asp1849fs)

Gene: COL7A1 (collagen type VII alpha 1 chain; minus strand). Cytogenetic location: 3p21.31.
Variant type: Deletion.
Coding change: c.5545del on transcript NM_000094.4 (MANE Select); coding-DNA position 5545, one base deleted (G; older notation c.5545delG).
Protein change: p.Asp1849fs; shifts the reading frame from aspartic acid 1849.
Molecular consequence: frameshift variant.
Genome position (GRCh38, 1-based): chr3:48,577,015, C deleted on the plus strand (G on the coding strand, the reverse complement: COL7A1 is on the minus strand); the first of 4 consecutive C bases (chr3:48,577,015-48,577,018); deleting any one gives the same sequence. VCF-style (leftmost placement, unchanged base first): chr3-48577014-TC-T. GRCh37 (hg19) VCF-style: chr3-48614447-TC-T.
Other names: short protein forms D1849fs.
Identifiers: ClinVar variation 4710718 (VCV004710718.1).

ClinVar aggregate classification (germline): Pathogenic (1 of 4 stars; one submission).

Submission:

Labcorp Genetics (formerly Invitae), Labcorp
Classification: Pathogenic. Last evaluated: 2025-07-09. Review status: criteria provided, single submitter. Criteria: Invitae Variant Classification Sherloc (09022015). Collection method: clinical testing. Allele origin: germline.
Comment: This sequence change creates a premature translational stop signal (p.Asp1849Thrfs*156) in the COL7A1 gene. It is expected to result in an absent or disrupted protein product. Loss-of-function variants in COL7A1 are known to be pathogenic (PMID: 16971478). This variant is not present in population databases (gnomAD no frequency). This variant has not been reported in the literature in individuals affected with COL7A1-related conditions. For these reasons, this variant has been classified as Pathogenic.

Literature cited by the submitters: PubMed 16971478.